The following is an entry in ClinVar:

NM_001089.3(ABCA3):c.4575del (p.Gly1526fs)

Gene: ABCA3 (ATP binding cassette subfamily A member 3; minus strand). Cytogenetic location: 16p13.3.
Variant type: Deletion.
Coding change: c.4575del on transcript NM_001089.3 (MANE Select); coding-DNA position 4575, one base deleted (C; older notation c.4575delC).
Protein change: p.Gly1526fs; shifts the reading frame from glycine 1526.
Molecular consequence: frameshift variant.
Genome position (GRCh38, 1-based): chr16:2,278,431, G deleted on the plus strand (C on the coding strand, the reverse complement: ABCA3 is on the minus strand); the first of 2 consecutive G bases (chr16:2,278,431-2,278,432); deleting either gives the same sequence. VCF-style (leftmost placement, unchanged base first): chr16-2278430-CG-C. GRCh37 (hg19) VCF-style: chr16-2328431-CG-C.
Other names: short protein forms G1526fs.
Identifiers: ClinVar variation 5014243 (VCV005014243.1).

ClinVar aggregate classification (germline): Pathogenic (1 of 4 stars; one submission).

Conditions:
Interstitial lung disease due to ABCA3 deficiency. Also called: PULMONARY ALVEOLAR PROTEINOSIS, CONGENITAL, 3. Identifiers: Orphanet 440402, MedGen C1970456, MONDO:0012582, OMIM 610921.

Submission:

Myriad Genetics, Inc.
Classification: Pathogenic for Interstitial lung disease due to ABCA3 deficiency. Last evaluated: 2025-03-21. Review status: criteria provided, single submitter. Criteria: Myriad Autosomal Dominant, Autosomal Recessive and X-Linked Classification Criteria (2023). Collection method: clinical testing. Allele origin: unknown.
Comment: NM_001089.2(ABCA3):c.4575delC(G1526Afs*4) is expected to be pathogenic in the context of surfactant deficiency, ABCA3-related. This variant is predicted to lead to an abnormal or absent protein product due to the creation of a premature termination codon in ABCA3, a gene where loss-of-function variants are known to be pathogenic. Please note: this variant was assessed in the context of healthy population screening.